The following is an entry in ClinVar:

ClinVar aggregate classification (germline): Uncertain significance (1 of 4 stars; one submission).

Conditions:
Familial thoracic aortic aneurysm and aortic dissection (TAAD). Also called: Thoracic aortic aneurysms and dissections. Identifiers: Orphanet 91387, MedGen C4707243, MONDO:0019625.

Submission:

Color Diagnostics, LLC DBA Color Health
Classification: Uncertain significance for Familial thoracic aortic aneurysm and aortic dissection. Last evaluated: 2023-12-04. Review status: criteria provided, single submitter. Criteria: ACMG Guidelines, 2015. Collection method: clinical testing. Allele origin: germline.
Comment: Variant of Uncertain Significance due to insufficient evidence: This missense variant replaces arginine with proline at codon 207 of the TGFBR2 protein. Computational prediction tools and conservation analyses are inconclusive regarding the impact of this variant on the protein function. Computational splicing tools suggest that this variant may not impact RNA splicing. To our knowledge, functional assays have not been performed for this variant nor has this variant been reported in individuals affected with cardiovascular disorders in the literature. This variant is rare in the general population and has been identified in 0/277264 chromosomes by the Genome Aggregation Database (gnomAD). Available evidence is insufficient to determine the role of this variant in disease conclusively.

NM_003242.6(TGFBR2):c.620G>C (p.Arg207Pro)

Gene: TGFBR2 (transforming growth factor beta receptor 2; plus strand). Cytogenetic location: 3p24.1.
Variant type: single nucleotide variant.
Coding change: c.620G>C on transcript NM_003242.6 (MANE Select); coding-DNA position 620, G replaced by C.
Protein change: p.Arg207Pro; replaces arginine 207 with proline.
Molecular consequence: missense variant.
Genome position (GRCh38, 1-based): chr3:30,671,803, G>C. VCF-style: chr3-30671803-G-C. GRCh37 (hg19) VCF-style: chr3-30713295-G-C.
Other names: c.695G>C, p.Arg232Pro (NM_001024847.3); c.803G>C, p.Arg268Pro (NM_001407126.1); c.728G>C, p.Arg243Pro (NM_001407127.1); c.647G>C, p.Arg216Pro (NM_001407128.1); c.623G>C, p.Arg208Pro (NM_001407129.1); c.620G>C, p.Arg207Pro (NM_001407130.1); c.515G>C, p.Arg172Pro (NM_001407132.1, NM_001407133.1, NM_001407134.1 and 2 more transcripts); c.335G>C, p.Arg112Pro (NM_001407137.1); and 1 more; short protein forms R207P, R232P, R172P, R208P, R87P, R216P, R243P, R112P.
Identifiers: ClinVar variation 919447 (VCV000919447.6), dbSNP rs371209879, ClinGen allele CA351807497.